The following is an entry in ClinVar:

NM_012471.3(TRPC5):c.1575C>T (p.Cys525=)

Gene: TRPC5 (transient receptor potential cation channel subfamily C member 5; minus strand). Cytogenetic location: Xq23.
Variant type: single nucleotide variant.
Coding change: c.1575C>T on transcript NM_012471.3 (MANE Select); coding-DNA position 1575, C replaced by T.
Protein change: p.Cys525=; no amino-acid change (cysteine 525 retained).
Molecular consequence: synonymous variant.
Genome position (GRCh38, 1-based): chrX:111,847,239, G>A on the plus strand (C>T on the coding strand, the complement: TRPC5 is on the minus strand). VCF-style: chrX-111847239-G-A. GRCh37 (hg19) VCF-style: chrX-111090467-G-A.
Identifiers: ClinVar variation 4988735 (VCV004988735.1).

ClinVar aggregate classification (germline): Likely benign (1 of 4 stars; one submission).

Conditions:
TRPC5-related disorder. Also called: TRPC5-related condition.

gnomAD v4.1: 1 of 1,211,329 alleles (0.000083%); no homozygotes.

Submission:

PreventionGenetics, part of Exact Sciences
Classification: Likely benign for TRPC5-related condition. Last evaluated: 2026-04-30. Review status: criteria provided, single submitter. Criteria: ACMG Guidelines, 2015. Collection method: clinical testing. Allele origin: germline.
Comment: This variant is classified as likely benign based on ACMG/AMP sequence variant interpretation guidelines (Richards et al. 2015 PMID: 25741868, with internal and published modifications).